The following is an entry in ClinVar:

NM_021813.4(BACH2):c.2313_2314delinsAA (p.Pro772Thr)

Gene: BACH2 (BACH transcriptional regulator 2; minus strand). Cytogenetic location: 6q15.
Variant type: Indel.
Coding change: c.2313_2314delinsAA on transcript NM_021813.4 (MANE Select); coding-DNA positions 2313 to 2314, GC replaced by AA.
Protein change: p.Pro772Thr; replaces proline 772 with threonine.
Molecular consequence: missense variant.
Genome position (GRCh38, 1-based): chr6:89,932,620-89,932,621, GC replaced by TT on the plus strand (GC replaced by AA on the coding strand, the reverse complement: BACH2 is on the minus strand). VCF-style: chr6-89932620-GC-TT. GRCh37 (hg19) VCF-style: chr6-90642339-GC-TT.
Other names: c.2313_2314delinsAA, p.Pro772Thr (NM_001170794.2); short protein forms P772T.
Identifiers: ClinVar variation 1396475 (VCV001396475.6), dbSNP rs2128352366, ClinGen allele CA2573141333.

ClinVar aggregate classification (germline): Uncertain significance (1 of 4 stars; one submission).

Submission:

Labcorp Genetics (formerly Invitae), Labcorp
Classification: Uncertain significance. Last evaluated: 2021-05-19. Review status: criteria provided, single submitter. Criteria: Invitae Variant Classification Sherloc (09022015). Collection method: clinical testing. Allele origin: germline.
Comment: This variant has not been reported in the literature in individuals with BACH2-related conditions. In summary, the available evidence is currently insufficient to determine the role of this variant in disease. Therefore, it has been classified as a Variant of Uncertain Significance. Experimental studies and prediction algorithms are not available or were not evaluated, and the functional significance of this variant is currently unknown. The frequency data for this variant in the population databases is not available, as this variant may be reported as separate entries in the ExAC database. This sequence change replaces proline with threonine at codon 772 of the BACH2 protein (p.Pro772Thr). The proline residue is weakly conserved and there is a small physicochemical difference between proline and threonine.